The following is an entry in ClinVar:

ClinVar aggregate classification (germline): Uncertain significance. Review status: criteria provided, multiple submitters, no conflicts (2 of 4 stars). 3 submissions from 3 submitters: Uncertain significance (3). Last evaluated 2024-03-26.

Conditions:
Dyskeratosis congenita, autosomal dominant 2. Identifiers: MedGen C3151443, MONDO:0013521, OMIM 613989.
Idiopathic Pulmonary Fibrosis. Also called: Idiopathic fibrosing alveolitis, chronic form; idiopathic fibrosing alveolitis. Identifiers: Orphanet 2032, MedGen C1800706, MeSH D054990, MONDO:0800504.
Dyskeratosis congenita. Identifiers: Orphanet 1775, MedGen C0265965, MONDO:0015780.

Allele frequency attached by ClinVar (database versions not stated): gnomAD exomes below 0.00001; gnomAD 0.00001.
gnomAD v4.1: 4 of 1,613,940 alleles (0.00025%); highest among the groups gnomAD compares: Non-Finnish European, 0.00034%; no homozygotes.

Submissions (3):

Baylor Genetics
Classification: Uncertain significance for Dyskeratosis congenita, autosomal dominant 2. Last evaluated: 2024-03-26. Review status: criteria provided, single submitter. Criteria: ACMG Guidelines, 2015. Collection method: clinical testing. Allele origin: unknown.

Ambry Genetics
Classification: Uncertain significance for Dyskeratosis congenita. Last evaluated: 2022-01-12. Review status: criteria provided, single submitter. Criteria: Ambry Variant Classification Scheme 2023. Collection method: clinical testing. Allele origin: germline.
Comment: The p.M636T variant (also known as c.1907T>C), located in coding exon 4 of the TERT gene, results from a T to C substitution at nucleotide position 1907. The methionine at codon 636 is replaced by threonine, an amino acid with similar properties. This amino acid position is conserved. In addition, the in silico prediction for this alteration is inconclusive. Since supporting evidence is limited at this time, the clinical significance of this alteration remains unclear.

Labcorp Genetics (formerly Invitae), Labcorp
Classification: Uncertain significance for Dyskeratosis congenita, autosomal dominant 2; Idiopathic Pulmonary Fibrosis. Last evaluated: 2021-08-28. Review status: criteria provided, single submitter. Criteria: Invitae Variant Classification Sherloc (09022015). Collection method: clinical testing. Allele origin: germline.
Comment: This sequence change replaces methionine with threonine at codon 636 of the TERT protein (p.Met636Thr). The methionine residue is weakly conserved and there is a moderate physicochemical difference between methionine and threonine. This variant is not present in population databases (ExAC no frequency). This variant has not been reported in the literature in individuals affected with TERT-related conditions. Algorithms developed to predict the effect of missense changes on protein structure and function output the following: SIFT: "Tolerated"; PolyPhen-2: "Benign"; Align-GVGD: "Class C0". The threonine amino acid residue is found in multiple mammalian species, which suggests that this missense change does not adversely affect protein function. In summary, the available evidence is currently insufficient to determine the role of this variant in disease. Therefore, it has been classified as a Variant of Uncertain Significance.

NM_198253.3(TERT):c.1907T>C (p.Met636Thr)

Gene: TERT (telomerase reverse transcriptase; minus strand). Cytogenetic location: 5p15.33.
Variant type: single nucleotide variant.
Coding change: c.1907T>C on transcript NM_198253.3 (MANE Select); coding-DNA position 1907, T replaced by C.
Protein change: p.Met636Thr; replaces methionine 636 with threonine.
Molecular consequence: missense variant. On other transcripts: non-coding transcript variant (2).
Genome position (GRCh38, 1-based): chr5:1,280,201, A>G on the plus strand (T>C on the coding strand, the complement: TERT is on the minus strand). VCF-style: chr5-1280201-A-G. GRCh37 (hg19) VCF-style: chr5-1280316-A-G.
Other names: c.1907T>C, p.Met636Thr (NM_001193376.3); short protein forms M636T.
Identifiers: ClinVar variation 410692 (VCV000410692.9), dbSNP rs1060503010, ClinGen allele CA16611779.